The following is an entry in ClinVar:

NM_014845.6(FIG4):c.1575T>A (p.Asp525Glu)

Gene: FIG4 (FIG4 phosphoinositide 5-phosphatase; plus strand). Cytogenetic location: 6q21.
Variant type: single nucleotide variant.
Coding change: c.1575T>A on transcript NM_014845.6 (MANE Select); coding-DNA position 1575, T replaced by A.
Protein change: p.Asp525Glu; replaces aspartic acid 525 with glutamic acid.
Molecular consequence: missense variant.
Genome position (GRCh38, 1-based): chr6:109,765,153, T>A. VCF-style: chr6-109765153-T-A. GRCh37 (hg19) VCF-style: chr6-110086356-T-A.
Other names: short protein forms D525E.
Identifiers: ClinVar variation 1775583 (VCV001775583.2), dbSNP rs2486182502, ClinGen allele CA365228090.

ClinVar aggregate classification (germline): Uncertain significance (1 of 4 stars; one submission).

Conditions:
Inborn genetic diseases. Identifiers: MedGen C0950123, MeSH D030342.

Allele frequency attached by ClinVar (database versions not stated): gnomAD exomes below 0.00001.
gnomAD v4.1: 4 of 1,614,060 alleles (0.00025%); highest among the groups gnomAD compares: Non-Finnish European, 0.00034%; no homozygotes.

Submission:

Ambry Genetics
Classification: Uncertain significance for Inborn genetic diseases. Last evaluated: 2020-07-30. Review status: criteria provided, single submitter. Criteria: Ambry Variant Classification Scheme 2023. Collection method: clinical testing. Allele origin: germline.
Comment: The p.D525E variant (also known as c.1575T>A), located in coding exon 14 of the FIG4 gene, results from a T to A substitution at nucleotide position 1575. The aspartic acid at codon 525 is replaced by glutamic acid, an amino acid with highly similar properties. This amino acid position is highly conserved in available vertebrate species. In addition, this alteration is predicted to be tolerated by in silico analysis. Since supporting evidence is limited at this time, the clinical significance of this alteration remains unclear.